The following is an entry in ClinVar:

ClinVar aggregate classification (germline): Uncertain significance (1 of 4 stars; one submission).

Conditions:
Epileptic encephalopathy. Identifiers: MedGen C0543888, HP:0200134.

Allele frequency attached by ClinVar (database versions not stated): gnomAD 0.00001; TOPMed 0.00002.
gnomAD v4.1: 1 of 1,613,816 alleles (0.000062%); highest among the groups gnomAD compares: African/African-American, 0.0013%; no homozygotes.

Submission:

Labcorp Genetics (formerly Invitae), Labcorp
Classification: Uncertain significance for Epileptic encephalopathy. Last evaluated: 2018-10-31. Review status: criteria provided, single submitter. Criteria: Invitae Variant Classification Sherloc (09022015). Collection method: clinical testing. Allele origin: germline.
Comment: This variant has not been reported in the literature in individuals with RYR3-related disease. Algorithms developed to predict the effect of missense changes on protein structure and function do not agree on the potential impact of this missense change (SIFT: "Deleterious"; PolyPhen-2: "Benign"; Align-GVGD: "Class C0"). Algorithms developed to predict the effect of sequence changes on RNA splicing suggest that this variant may create or strengthen a splice site, but this prediction has not been confirmed by published transcriptional studies. This sequence change replaces serine with arginine at codon 4291 of the RYR3 protein (p.Ser4291Arg). The serine residue is weakly conserved and there is a moderate physicochemical difference between serine and arginine. This variant is not present in population databases (ExAC no frequency). In summary, the available evidence is currently insufficient to determine the role of this variant in disease. Therefore, it has been classified as a Variant of Uncertain Significance.

NM_001036.6(RYR3):c.12873C>G (p.Ser4291Arg)

Gene: RYR3 (ryanodine receptor 3; plus strand). Cytogenetic location: 15q14.
Variant type: single nucleotide variant.
Coding change: c.12873C>G on transcript NM_001036.6 (MANE Select); coding-DNA position 12873, C replaced by G.
Protein change: p.Ser4291Arg; replaces serine 4291 with arginine.
Molecular consequence: missense variant.
Genome position (GRCh38, 1-based): chr15:33,838,853, C>G. VCF-style: chr15-33838853-C-G. GRCh37 (hg19) VCF-style: chr15-34131054-C-G.
Other names: c.12858C>G, p.Ser4286Arg (NM_001243996.4); short protein forms S4291R, S4286R.
Identifiers: ClinVar variation 531030 (VCV000531030.9), dbSNP rs770836948, ClinGen allele CA391596213.